The following is an entry in ClinVar:

NM_001136472.2(LITAF):c.26C>T (p.Ala9Val)

Gene: LITAF (lipopolysaccharide induced TNF factor; minus strand). Cytogenetic location: 16p13.13.
Variant type: single nucleotide variant.
Coding change: c.26C>T on transcript NM_001136472.2 (MANE Select); coding-DNA position 26, C replaced by T.
Protein change: p.Ala9Val; replaces alanine 9 with valine.
Molecular consequence: missense variant. On other transcripts: non-coding transcript variant (1).
Genome position (GRCh38, 1-based): chr16:11,556,705, G>A on the plus strand (C>T on the coding strand, the complement: LITAF is on the minus strand). VCF-style: chr16-11556705-G-A. GRCh37 (hg19) VCF-style: chr16-11650561-G-A.
Other names: c.26C>T, p.Ala9Val (NM_001136473.1, NM_004862.4); short protein forms A9V.
Identifiers: ClinVar variation 945669 (VCV000945669.34), dbSNP rs529766640, ClinGen allele CA7904199.

ClinVar aggregate classification (germline): Conflicting classifications of pathogenicity. Review status: criteria provided, conflicting classifications (1 of 4 stars). 3 submissions from 3 submitters: Uncertain significance (1); Likely benign (2). Last evaluated 2024-07-30.

Conditions:
Charcot-Marie-Tooth disease type 1C. Also called: Charcot-Marie-Tooth disease, type IC; CHARCOT-MARIE-TOOTH NEUROPATHY, TYPE 1C; NEUROPATHY, HEREDITARY MOTOR AND SENSORY, TYPE IC; CHARCOT-MARIE-TOOTH DISEASE, DEMYELINATING, TYPE 1C; HMSN IC; CMT, SLOW NERVE CONDUCTION TYPE C. Identifiers: Orphanet 101083, MedGen C0270913, MONDO:0010995, OMIM 601098.
Inborn genetic diseases. Identifiers: MedGen C0950123, MeSH D030342.

Allele frequency attached by ClinVar (database versions not stated): gnomAD 0.00001 and 0.00002; TOPMed 0.00001; 1000 Genomes Project 30x 0.00016; 1000 Genomes Project 0.00020.
gnomAD v4.1: 52 of 1,614,158 alleles (0.0032%); highest among the groups gnomAD compares: South Asian, 0.011%; no homozygotes.

Submissions (3):

Labcorp Genetics (formerly Invitae), Labcorp
Classification: Uncertain significance for Charcot-Marie-Tooth disease type 1C. Last evaluated: 2024-07-30. Review status: criteria provided, single submitter. Criteria: Invitae Variant Classification Sherloc (09022015). Collection method: clinical testing. Allele origin: germline.
Comment: This sequence change replaces alanine, which is neutral and non-polar, with valine, which is neutral and non-polar, at codon 9 of the LITAF protein (p.Ala9Val). This variant is present in population databases (rs529766640, gnomAD 0.02%). This variant has not been reported in the literature in individuals affected with LITAF-related conditions. ClinVar contains an entry for this variant (Variation ID: 945669). An algorithm developed to predict the effect of missense changes on protein structure and function (PolyPhen-2) suggests that this variant is likely to be tolerated. In summary, the available evidence is currently insufficient to determine the role of this variant in disease. Therefore, it has been classified as a Variant of Uncertain Significance.

CeGaT Center for Human Genetics Tuebingen
Classification: Likely benign. Last evaluated: 2024-02-01. Review status: criteria provided, single submitter. Criteria: CeGaT Center For Human Genetics Tuebingen Variant Classification Criteria Version 2. Collection method: clinical testing. Allele origin: germline. Affected: yes. Observed: 1 variant allele.
Comment: LITAF: BP4

Ambry Genetics
Classification: Likely benign for Inborn genetic diseases. Last evaluated: 2022-09-22. Review status: criteria provided, single submitter. Criteria: Ambry Variant Classification Scheme 2023. Collection method: clinical testing. Allele origin: germline.